The following is an entry in ClinVar:

ClinVar aggregate classification (germline): Uncertain significance (1 of 4 stars; one submission).

gnomAD v4.1: 1 of 1,609,104 alleles (0.000062%); highest among the groups gnomAD compares: African/African-American, 0.0013%; no homozygotes.

Submission:

Labcorp Genetics (formerly Invitae), Labcorp
Classification: Uncertain significance. Last evaluated: 2024-12-10. Review status: criteria provided, single submitter. Criteria: Invitae Variant Classification Sherloc (09022015). Collection method: clinical testing. Allele origin: germline.
Comment: This sequence change replaces phenylalanine, which is neutral and non-polar, with serine, which is neutral and polar, at codon 1286 of the HMCN1 protein (p.Phe1286Ser). This variant is not present in population databases (gnomAD no frequency). This variant has not been reported in the literature in individuals affected with HMCN1-related conditions. An algorithm developed to predict the effect of missense changes on protein structure and function (PolyPhen-2) suggests that this variant is likely to be disruptive. In summary, the available evidence is currently insufficient to determine the role of this variant in disease. Therefore, it has been classified as a Variant of Uncertain Significance.

NM_031935.3(HMCN1):c.3857T>C (p.Phe1286Ser)

Gene: HMCN1 (hemicentin 1; plus strand). Cytogenetic location: 1q31.1.
Variant type: single nucleotide variant.
Coding change: c.3857T>C on transcript NM_031935.3 (MANE Select); coding-DNA position 3857, T replaced by C.
Protein change: p.Phe1286Ser; replaces phenylalanine 1286 with serine.
Molecular consequence: missense variant.
Genome position (GRCh38, 1-based): chr1:185,997,507, T>C. VCF-style: chr1-185997507-T-C. GRCh37 (hg19) VCF-style: chr1-185966639-T-C.
Other names: short protein forms F1286S.
Identifiers: ClinVar variation 3674079 (VCV003674079.2).